The following is an entry in ClinVar:

ClinVar aggregate classification (germline): Uncertain significance. Review status: criteria provided, multiple submitters, no conflicts (2 of 4 stars). 2 submissions from 2 submitters: Uncertain significance (2). Last evaluated 2025-06-29.

Conditions:
Primary ciliary dyskinesia. Also called: Ciliary dyskinesia. Identifiers: Orphanet 244, MedGen C0008780, MONDO:0016575, HP:0012265.
Inborn genetic diseases. Identifiers: MedGen C0950123, MeSH D030342.

Allele frequency attached by ClinVar (database versions not stated): gnomAD 0.00003; gnomAD exomes 0.00003 and 0.00004; TOPMed 0.00003.

Submissions (2):

Ambry Genetics
Classification: Uncertain significance for Inborn genetic diseases. Last evaluated: 2025-06-29. Review status: criteria provided, single submitter. Criteria: Ambry Variant Classification Scheme 2023. Collection method: clinical testing. Allele origin: germline.

Labcorp Genetics (formerly Invitae), Labcorp
Classification: Uncertain significance for Primary ciliary dyskinesia. Last evaluated: 2021-08-26. Review status: criteria provided, single submitter. Criteria: Invitae Variant Classification Sherloc (09022015). Collection method: clinical testing. Allele origin: germline.
Comment: This sequence change replaces serine with arginine at codon 55 of the MCIDAS protein (p.Ser55Arg). The serine residue is moderately conserved and there is a moderate physicochemical difference between serine and arginine. The frequency data for this variant in the population databases is considered unreliable, as metrics indicate insufficient coverage at this position in the ExAC database. This variant has not been reported in the literature in individuals affected with MCIDAS-related conditions. Algorithms developed to predict the effect of missense changes on protein structure and function (SIFT, PolyPhen-2, Align-GVGD) all suggest that this variant is likely to be tolerated. In summary, the available evidence is currently insufficient to determine the role of this variant in disease. Therefore, it has been classified as a Variant of Uncertain Significance.

NM_001190787.3(MCIDAS):c.165C>G (p.Ser55Arg)

Gene: MCIDAS (multiciliate differentiation and DNA synthesis associated cell cycle protein; minus strand). Cytogenetic location: 5q11.2.
Variant type: single nucleotide variant.
Coding change: c.165C>G on transcript NM_001190787.3 (MANE Select); coding-DNA position 165, C replaced by G.
Protein change: p.Ser55Arg; replaces serine 55 with arginine.
Molecular consequence: missense variant.
Genome position (GRCh38, 1-based): chr5:55,226,887, G>C on the plus strand (C>G on the coding strand, the complement: MCIDAS is on the minus strand). VCF-style: chr5-55226887-G-C. GRCh37 (hg19) VCF-style: chr5-54522715-G-C.
Other names: c.165C>G (NM_001190787.1); short protein forms S55R.
Identifiers: ClinVar variation 1001615 (VCV001001615.7), dbSNP rs1031493457, ClinGen allele CA118983473.